The following is an entry in ClinVar:

NM_031448.6(C19orf12):c.*2961T>C

Gene: C19orf12 (chromosome 19 open reading frame 12; minus strand). Cytogenetic location: 19q12.
Variant type: single nucleotide variant.
Coding change: c.*2961T>C on transcript NM_031448.6 (MANE Select); 2961 bases downstream of the stop codon, T replaced by C.
Molecular consequence: 3 prime UTR variant.
Genome position (GRCh38, 1-based): chr19:29,699,751, A>G on the plus strand (T>C on the coding strand, the complement: C19orf12 is on the minus strand). VCF-style: chr19-29699751-A-G. GRCh37 (hg19) VCF-style: chr19-30190658-A-G.
Other names: c.*2961T>C (NM_001031726.4, NM_001256047.2, NM_001282929.1 and 2 more transcripts); c.*3008T>C (NM_001256046.3).
Identifiers: ClinVar variation 328674 (VCV000328674.6), dbSNP rs10417597, ClinGen allele CA9351657.

ClinVar aggregate classification (germline): Benign. Review status: criteria provided, multiple submitters, no conflicts (2 of 4 stars). 2 submissions from 2 submitters: Benign (2). Last evaluated 2018-01-13.

Conditions:
Neurodegeneration with brain iron accumulation 4 (NBIA4). Also called: MITOCHONDRIAL PROTEIN-ASSOCIATED NEURODEGENERATION. Identifiers: Orphanet 289560, MedGen C3280371, MONDO:0013674, OMIM 614298. Disease mechanism: loss of function.

Allele frequency attached by ClinVar (database versions not stated): gnomAD exomes 0.68054 and 0.71498; 1000 Genomes Project 0.68710; 1000 Genomes Project 30x 0.69347; ExAC 0.69413; TOPMed 0.75537; gnomAD 0.75722 and 0.76596.
gnomAD v4.1: 331,103 of 453,942 alleles (73%); highest among the groups gnomAD compares: African/African-American, 87%; 122,824 homozygotes.

Submissions (2):

Illumina Laboratory Services, Illumina
Classification: Benign for Neurodegeneration with brain iron accumulation 4. Last evaluated: 2018-01-13. Review status: criteria provided, single submitter. Criteria: ICSL Variant Classification Criteria 13 December 2019. Collection method: clinical testing. Allele origin: germline.
Comment: This variant was observed in the ICSL laboratory as part of a predisposition screen in an ostensibly healthy population. It had not been previously curated by ICSL or reported in the Human Gene Mutation Database (HGMD: prior to June 1st, 2018), and was therefore a candidate for classification through an automated scoring system. Utilizing variant allele frequency, disease prevalence and penetrance estimates, and inheritance mode, an automated score was calculated to assess if this variant is too frequent to cause the disease. Based on the score and internal cut-off values, a variant classified as benign is not then subjected to further curation. The score for this variant resulted in a classification of benign for this disease.

Breakthrough Genomics
Classification: Benign. Review status: criteria provided, single submitter. Criteria: ACMG Guidelines, 2015. Collection method: not provided. Allele origin: germline. Inheritance: Autosomal recessive inheritance. Affected: yes.